The following is an entry in ClinVar:

ClinVar aggregate classification (germline): Conflicting classifications of pathogenicity. Review status: criteria provided, conflicting classifications (1 of 4 stars). 6 submissions from 6 submitters: Uncertain significance (1); Likely benign (4). 1 of the submissions does not count toward it. Last evaluated 2026-01-31.

Conditions:
PCCA-related disorder. Also called: PCCA-related condition.
Propionic acidemia (PROP). Also called: KETOTIC HYPERGLYCINEMIA; GLYCINEMIA, KETOTIC; HYPERGLYCINEMIA WITH KETOACIDOSIS AND LEUKOPENIA. Identifiers: Orphanet 35, MedGen C0268579, MONDO:0011628, OMIM 606054, HP:0003571.

Allele frequency attached by ClinVar (database versions not stated): 1000 Genomes Project 30x 0.00016; 1000 Genomes Project 0.00020; ExAC 0.00024; ESP Exome Variant Server 0.00055; TOPMed 0.00056; gnomAD exomes 0.00060; gnomAD 0.00070 and 0.00071.
gnomAD v4.1: 1,687 of 1,514,888 alleles (0.11%); highest among the groups gnomAD compares: Non-Finnish European, 0.14%; 2 homozygotes.

Submissions (7):

Labcorp Genetics (formerly Invitae), Labcorp
Classification: Likely benign for Propionic acidemia. Last evaluated: 2026-01-31. Review status: criteria provided, single submitter. Criteria: Invitae Variant Classification Sherloc (09022015). Collection method: clinical testing. Allele origin: germline.

PreventionGenetics, part of Exact Sciences
Classification: Likely benign for PCCA-related condition. Last evaluated: 2024-11-14. Review status: criteria provided, single submitter. Criteria: ACMG Guidelines, 2015. Collection method: clinical testing. Allele origin: germline.
Comment: This variant is classified as likely benign based on ACMG/AMP sequence variant interpretation guidelines (Richards et al. 2015 PMID: 25741868, with internal and published modifications).

Blueprint Genetics
Classification: Likely benign. Last evaluated: 2024-11-07. Review status: criteria provided, single submitter. Criteria: ACMG Guidelines, 2015. Collection method: clinical testing. Allele origin: germline.

CeGaT Center for Human Genetics Tuebingen
Classification: Likely benign. Last evaluated: 2022-08-01. Review status: criteria provided, single submitter. Criteria: CeGaT Center For Human Genetics Tuebingen Variant Classification Criteria Version 2. Collection method: clinical testing. Allele origin: germline. Affected: yes. Observed: 1 variant allele.
Comment: PCCA: BP4, BP7

Illumina Laboratory Services, Illumina
Classification: Uncertain significance for Propionic acidemia. Last evaluated: 2018-01-12. Review status: criteria provided, single submitter. Criteria: ICSL Variant Classification Criteria 13 December 2019. Collection method: clinical testing. Allele origin: germline.

Natera, Inc.
Classification: Uncertain significance for Propionic acidemia. Last evaluated: 2020-04-17. Review status: no assertion criteria provided. Collection method: clinical testing. Allele origin: germline. Not counted in ClinVar's aggregate classification.

Dr. Peter K. Rogan Lab, Western University
No classification provided (evidence only). Condition: Sarcoma. Review status: no classification provided. Collection method: in vitro. Allele origin: not applicable. Functional consequence: retained intron. Not counted in ClinVar's aggregate classification.

NM_000282.4(PCCA):c.1896A>G (p.Thr632=)

Gene: PCCA (propionyl-CoA carboxylase subunit alpha; plus strand). Cytogenetic location: 13q32.3.
Variant type: single nucleotide variant.
Coding change: c.1896A>G on transcript NM_000282.4 (MANE Select); coding-DNA position 1896, A replaced by G.
Protein change: p.Thr632=; no amino-acid change (threonine 632 retained).
Molecular consequence: synonymous variant. On other transcripts: non-coding transcript variant (5), intron variant (2).
Genome position (GRCh38, 1-based): chr13:100,449,302, A>G. VCF-style: chr13-100449302-A-G. GRCh37 (hg19) VCF-style: chr13-101101556-A-G.
Other names: c.1818A>G, p.Thr606= (NM_001127692.3, NM_001352607.2); c.1896A>G, p.Thr632= (NM_001178004.2, NM_001352609.2); c.1752A>G, p.Thr584= (NM_001352606.2); c.1674A>G, p.Thr558= (NM_001352608.2); c.951A>G, p.Thr317= (NM_001352610.2); c.807A>G, p.Thr269= (NM_001352612.2); c.1845+23571A>G (NM_001352605.2); c.900+23571A>G (NM_001352611.2).
Identifiers: ClinVar variation 459936 (VCV000459936.46), dbSNP rs61760965, ClinGen allele CA7033820.